The following is an entry in ClinVar:

ClinVar aggregate classification (germline): Uncertain significance (1 of 4 stars; one submission).

Allele frequency attached by ClinVar (database versions not stated): gnomAD exomes below 0.00001; TOPMed below 0.00001; ExAC 0.00001.
gnomAD v4.1: 2 of 1,578,258 alleles (0.00013%); highest among the groups gnomAD compares: Non-Finnish European, 0.00017%; no homozygotes.

Submission:

Labcorp Genetics (formerly Invitae), Labcorp
Classification: Uncertain significance. Last evaluated: 2022-07-06. Review status: criteria provided, single submitter. Criteria: Invitae Variant Classification Sherloc (09022015). Collection method: clinical testing. Allele origin: germline.
Comment: This sequence change replaces alanine, which is neutral and non-polar, with valine, which is neutral and non-polar, at codon 180 of the REL protein (p.Ala180Val). This variant is present in population databases (rs764825785, gnomAD 0.0009%). This variant has not been reported in the literature in individuals affected with REL-related conditions. Algorithms developed to predict the effect of missense changes on protein structure and function are either unavailable or do not agree on the potential impact of this missense change (SIFT: "Deleterious"; PolyPhen-2: "Probably Damaging"; Align-GVGD: "Class C0"). In summary, the available evidence is currently insufficient to determine the role of this variant in disease. Therefore, it has been classified as a Variant of Uncertain Significance.

NM_001291746.2(REL):c.539C>T (p.Ala180Val)

Gene: REL (REL proto-oncogene, NF-kB subunit; plus strand). Cytogenetic location: 2p16.1.
Variant type: single nucleotide variant.
Coding change: c.539C>T on transcript NM_001291746.2 (MANE Select); coding-DNA position 539, C replaced by T.
Protein change: p.Ala180Val; replaces alanine 180 with valine.
Molecular consequence: missense variant.
Genome position (GRCh38, 1-based): chr2:60,918,194, C>T. VCF-style: chr2-60918194-C-T. GRCh37 (hg19) VCF-style: chr2-61145329-C-T.
Other names: c.539C>T, p.Ala180Val (NM_002908.4); short protein forms A180V.
Identifiers: ClinVar variation 2111844 (VCV002111844.4), dbSNP rs764825785, ClinGen allele CA1672261.